The following is an entry in ClinVar:

ClinVar aggregate classification (germline): Pathogenic. Review status: criteria provided, multiple submitters, no conflicts (2 of 4 stars). 4 submissions from 4 submitters: Pathogenic (2). 2 of the submissions do not count toward it. Last evaluated 2024-05-20.

Conditions:
Autosomal recessive limb-girdle muscular dystrophy type 2C (LGMDR5). Also called: MUSCULAR DYSTROPHY, DUCHENNE-LIKE; MUSCULAR DYSTROPHY, LIMB-GIRDLE, AUTOSOMAL RECESSIVE 5. Identifiers: Orphanet 353, MedGen C0410173, MONDO:0009677, OMIM 253700. Disease mechanism: Affects gamma-sarcoglycan and also disrupts the integrity of the entire sarcoglycan complex..

Submissions (4):

Labcorp Genetics (formerly Invitae), Labcorp
Classification: Pathogenic for Autosomal recessive limb-girdle muscular dystrophy type 2C. Last evaluated: 2024-05-20. Review status: criteria provided, single submitter. Criteria: Invitae Variant Classification Sherloc (09022015). Collection method: clinical testing. Allele origin: germline.
Comment: This sequence change results in a frameshift in the SGCG gene (p.Cys267Serfs*51). While this is not anticipated to result in nonsense mediated decay, it is expected to disrupt the last 25 amino acid(s) of the SGCG protein and extend the protein by 25 additional amino acid residues. This variant is present in population databases (rs780348174, gnomAD 0.01%). This frameshift has been observed in individual(s) with limb-girdle muscular dystrophy (PMID: 8923014, 24638197). This variant is also known as ∆801–TC. ClinVar contains an entry for this variant (Variation ID: 552513). This variant disrupts the p.Cys283 amino acid residue in SGCG. Other variant(s) that disrupt this residue have been determined to be pathogenic (PMID: 8968757, 22095924). This suggests that this residue is clinically significant, and that variants that disrupt this residue are likely to be disease-causing. For these reasons, this variant has been classified as Pathogenic.

CeGaT Center for Human Genetics Tuebingen
Classification: Pathogenic. Last evaluated: 2020-06-01. Review status: criteria provided, single submitter. Criteria: CeGaT Center For Human Genetics Tuebingen Variant Classification Criteria Version 2. Collection method: clinical testing. Allele origin: germline. Affected: yes. Observed: 1 variant allele.

Counsyl
Classification: Likely pathogenic for Autosomal recessive limb-girdle muscular dystrophy type 2C. Last evaluated: 2017-06-13. Review status: no assertion criteria provided. Collection method: clinical testing. Allele origin: unknown. Not counted in ClinVar's aggregate classification.

OMIM
Classification: Pathogenic for MUSCULAR DYSTROPHY, LIMB-GIRDLE, AUTOSOMAL RECESSIVE 5. Last evaluated: 1996-11-01. Review status: no assertion criteria provided. Collection method: literature only. Allele origin: germline. Not counted in ClinVar's aggregate classification.

Literature cited by the submitters: PubMed 8923014 (cited by 3 submitters); PubMed 24638197 (cited by Labcorp Genetics (formerly Invitae), Labcorp and Counsyl); PubMed 8968757 (cited by Labcorp Genetics (formerly Invitae), Labcorp); PubMed 22095924 (cited by Labcorp Genetics (formerly Invitae), Labcorp); PubMed 9266733 (cited by Counsyl).

NM_000231.3(SGCG):c.800_801del (p.Cys267fs)

Gene: SGCG (sarcoglycan gamma; plus strand). Cytogenetic location: 13q12.12.
Variant type: Microsatellite.
Coding change: c.800_801del on transcript NM_000231.3 (MANE Select); coding-DNA positions 800 to 801, 2 bases deleted (GT; older notation c.800_801delGT).
Protein change: p.Cys267fs; shifts the reading frame from cysteine 267.
Molecular consequence: frameshift variant.
Genome position (GRCh38, 1-based): chr13:23,324,465-23,324,466, GT deleted; deleting any 2 consecutive bases within chr13:23,324,458-23,324,466 gives the same sequence; the c. name uses the placement nearest the transcript's 3' end. VCF-style (leftmost placement, unchanged base first): chr13-23324457-CTG-C. GRCh37 (hg19) VCF-style: chr13-23898596-CTG-C.
Other names: c.854_855del, p.Cys285fs (NM_001378244.1); c.800_801del, p.Cys267fs (NM_001378245.1, NM_001378246.1); c.800_801delGT (NM_000231.2); short protein forms C267fs, C285fs.
Identifiers: ClinVar variation 552513 (VCV000552513.50), dbSNP rs780348174, ClinGen allele CA6909847.